The following is an entry in ClinVar:

ClinVar aggregate classification (germline): Conflicting classifications of pathogenicity. Review status: criteria provided, conflicting classifications (1 of 4 stars). 2 submissions from 2 submitters: Likely pathogenic (1); Likely benign (1). Last evaluated 2025-10-20.

Conditions:
MT-ND1 related Leber’s hereditary optic neuropathy (LHON).
Leigh syndrome (NULS). Also called: LEIGH SYNDROME, NUCLEAR; Subacute necrotizing encephalopathy; Necrotizing encephalopathy infantile subacute of Leigh; Leigh's syndrome; Leigh's necrotizing encephalopathy; Leigh's disease. Identifiers: Orphanet 506, MedGen C2931891, MONDO:0009723, OMIM 256000.

Submissions (2):

Undiagnosed Diseases Network, NIH
Classification: Likely pathogenic for MT-ND1 related Leber’s hereditary optic neuropathy (LHON). Last evaluated: 2025-10-20. Review status: criteria provided, single submitter. Criteria: ACMG Guidelines, 2015. Collection method: clinical testing. Allele origin: maternal. Inheritance: Mitochondrial inheritance. Affected: yes. Observed: 1 variant allele, 1 homozygote. Study: Undiagnosed Diseases Network (NIH), UDN.

Wong Mito Lab, Molecular and Human Genetics, Baylor College of Medicine
Classification: Likely benign for Leigh syndrome. Last evaluated: 2019-10-17. Review status: criteria provided, single submitter. Criteria: Modified ACMG Guidelines (Unpublished). Collection method: clinical testing. Allele origin: germline.
Comment: The NC_012920.1:m.3395A>G (YP_003024026.1:p.Tyr30Cys) variant in MTND1 gene is interpretated to be a Likely Benign variant based on the modified ACMG guidelines (unpublished). This variant meets the following evidence codes: BS1, BP4

Literature cited by the submitters: PubMed 36827238 (cited by Undiagnosed Diseases Network, NIH); PubMed 21144833 (cited by Wong Mito Lab, Molecular and Human Genetics, Baylor College of Medicine).

NC_012920.1(MT-ND1):m.3395A>G

Gene: MT-ND1 (mitochondrially encoded NADH dehydrogenase 1; plus strand).
Variant type: single nucleotide variant.
Genome position: chrM-3395-A-G.
Identifiers: ClinVar variation 692350 (VCV000692350.3), dbSNP rs1556422722, ClinGen allele CA414772690.